The following is an entry in ClinVar:

NM_032447.5(FBN3):c.2416+6C>T

Gene: FBN3 (fibrillin 3; minus strand). Cytogenetic location: 19p13.2.
Variant type: single nucleotide variant.
Coding change: c.2416+6C>T on transcript NM_032447.5 (MANE Select); 6 bases into the intron after coding-DNA position 2416, C replaced by T.
Molecular consequence: intron variant.
Genome position (GRCh38, 1-based): chr19:8,126,707, G>A on the plus strand (C>T on the coding strand, the complement: FBN3 is on the minus strand). VCF-style: chr19-8126707-G-A. GRCh37 (hg19) VCF-style: chr19-8191591-G-A.
Other names: c.2416+6C>T (NM_001321431.2).
Identifiers: ClinVar variation 2741696 (VCV002741696.3), dbSNP rs753481648, ClinGen allele CA9152915.

ClinVar aggregate classification (germline): Uncertain significance (1 of 4 stars; one submission).

Allele frequency attached by ClinVar (database versions not stated): TOPMed 0.00004; ExAC 0.00005; gnomAD 0.00007.
gnomAD v4.1: 85 of 1,581,296 alleles (0.0054%); highest among the groups gnomAD compares: Non-Finnish European, 0.0065%; no homozygotes.

Submission:

Labcorp Genetics (formerly Invitae), Labcorp
Classification: Uncertain significance. Last evaluated: 2023-01-29. Review status: criteria provided, single submitter. Criteria: Invitae Variant Classification Sherloc (09022015). Collection method: clinical testing. Allele origin: germline.
Comment: This variant is present in population databases (rs753481648, gnomAD 0.01%). This sequence change falls in intron 19 of the FBN3 gene. It does not directly change the encoded amino acid sequence of the FBN3 protein. It affects a nucleotide within the consensus splice site. This variant has not been reported in the literature in individuals affected with FBN3-related conditions. Variants that disrupt the consensus splice site are a relatively common cause of aberrant splicing (PMID: 17576681, 9536098). Algorithms developed to predict the effect of sequence changes on RNA splicing suggest that this variant is not likely to affect RNA splicing. In summary, the available evidence is currently insufficient to determine the role of this variant in disease. Therefore, it has been classified as a Variant of Uncertain Significance.

Literature cited by the submitters: PubMed 17576681; PubMed 9536098.